The following is an entry in ClinVar:

ClinVar aggregate classification (germline): Benign (1 of 4 stars; one submission).

Allele frequency attached by ClinVar (database versions not stated): gnomAD 0.15528; TOPMed 0.16674; 1000 Genomes Project 0.19089; 1000 Genomes Project 30x 0.19519.
gnomAD v4.1: 23,555 of 152,090 alleles (15%); highest among the groups gnomAD compares: African/African-American, 28%; 2,399 homozygotes.

Submission:

GeneDx
Classification: Benign. Last evaluated: 2018-06-14. Review status: criteria provided, single submitter. Criteria: GeneDx Variant Classification (06012015). Collection method: clinical testing. Allele origin: germline. Affected: yes.
Comment: This variant is considered likely benign or benign based on one or more of the following criteria: it is a conservative change, it occurs at a poorly conserved position in the protein, it is predicted to be benign by multiple in silico algorithms, and/or has population frequency not consistent with disease.

NM_004281.4(BAG3):c.909+272C>A

Gene: BAG3 (BAG cochaperone 3; plus strand). Cytogenetic location: 10q26.11.
Variant type: single nucleotide variant.
Coding change: c.909+272C>A on transcript NM_004281.4 (MANE Select); 272 bases into the intron after coding-DNA position 909, C replaced by A.
Molecular consequence: intron variant.
Genome position (GRCh38, 1-based): chr10:119,672,928, C>A. VCF-style: chr10-119672928-C-A. GRCh37 (hg19) VCF-style: chr10-121432440-C-A.
Identifiers: ClinVar variation 669420 (VCV000669420.1), dbSNP rs2072361, ClinGen allele CA13313657.